The following is an entry in ClinVar:

ClinVar aggregate classification (germline): Conflicting classifications of pathogenicity. Review status: criteria provided, conflicting classifications (1 of 4 stars). 3 submissions from 3 submitters: Uncertain significance (1); Likely benign (1). 1 of the submissions does not count toward it. Last evaluated 2025-09-08.

Conditions:
Inborn genetic diseases. Identifiers: MedGen C0950123, MeSH D030342.
LAMA5-related disorder. Also called: LAMA5-related condition; LAMA5-Related Disorders.

Allele frequency attached by ClinVar (database versions not stated): gnomAD exomes 0.00016; gnomAD 0.00023; ExAC 0.00033; TOPMed 0.00037; 1000 Genomes Project 30x 0.00078; 1000 Genomes Project 0.00100.
gnomAD v4.1: 261 of 1,612,584 alleles (0.016%); highest among the groups gnomAD compares: East Asian, 0.37%; 2 homozygotes.

Submissions (3):

Labcorp Genetics (formerly Invitae), Labcorp
Classification: Likely benign. Last evaluated: 2025-09-08. Review status: criteria provided, single submitter. Criteria: Invitae Variant Classification Sherloc (09022015). Collection method: clinical testing. Allele origin: germline.

Ambry Genetics
Classification: Uncertain significance for Inborn genetic diseases. Last evaluated: 2024-03-27. Review status: criteria provided, single submitter. Criteria: Ambry Variant Classification Scheme 2023. Collection method: clinical testing. Allele origin: germline.

PreventionGenetics, part of Exact Sciences
Classification: Likely benign for LAMA5-related condition. Last evaluated: 2022-07-26. Review status: no assertion criteria provided. Collection method: clinical testing. Allele origin: germline. Not counted in ClinVar's aggregate classification.
Comment: This variant is classified as likely benign based on ACMG/AMP sequence variant interpretation guidelines (Richards et al. 2015 PMID: 25741868, with internal and published modifications).

NM_005560.6(LAMA5):c.8251C>T (p.Arg2751Trp)

Gene: LAMA5 (laminin subunit alpha 5; minus strand). Cytogenetic location: 20q13.33.
Variant type: single nucleotide variant.
Coding change: c.8251C>T on transcript NM_005560.6 (MANE Select); coding-DNA position 8251, C replaced by T.
Protein change: p.Arg2751Trp; replaces arginine 2751 with tryptophan.
Molecular consequence: missense variant.
Genome position (GRCh38, 1-based): chr20:62,314,671, G>A on the plus strand (C>T on the coding strand, the complement: LAMA5 is on the minus strand). VCF-style: chr20-62314671-G-A. GRCh37 (hg19) VCF-style: chr20-60889727-G-A.
Other names: c.8251C>T (NM_005560.4, NM_005560.3); short protein forms R2751W.
Identifiers: ClinVar variation 2155218 (VCV002155218.7), dbSNP rs201130283, ClinGen allele CA9940804.